The following is an entry in ClinVar:

NM_000368.5(TSC1):c.692C>T (p.Pro231Leu)

Gene: TSC1 (TSC complex subunit 1; minus strand). Cytogenetic location: 9q34.13.
Variant type: single nucleotide variant.
Coding change: c.692C>T on transcript NM_000368.5 (MANE Select); coding-DNA position 692, C replaced by T.
Protein change: p.Pro231Leu; replaces proline 231 with leucine.
Molecular consequence: missense variant.
Genome position (GRCh38, 1-based): chr9:132,921,408, G>A on the plus strand (C>T on the coding strand, the complement: TSC1 is on the minus strand). VCF-style: chr9-132921408-G-A. GRCh37 (hg19) VCF-style: chr9-135796795-G-A.
Other names: c.692C>T, p.Pro231Leu (NM_001162426.2); c.539C>T, p.Pro180Leu (NM_001162427.2); c.329C>T, p.Pro110Leu (NM_001362177.2); short protein forms P231L, P110L, P180L.
Identifiers: ClinVar variation 486585 (VCV000486585.62), dbSNP rs1322586198, ClinGen allele CA375371402.

ClinVar aggregate classification (germline): Conflicting classifications of pathogenicity. Review status: criteria provided, conflicting classifications (1 of 4 stars). 7 submissions from 7 submitters: Uncertain significance (6); Benign (1). Last evaluated 2025-03-27.

Conditions:
Tuberous sclerosis 1 (TSC1). Identifiers: Orphanet 805, MedGen C1854465, MONDO:0008612, OMIM 191100.
Hereditary cancer-predisposing syndrome. Also called: Hereditary neoplastic syndrome; Neoplastic Syndromes, Hereditary; Hereditary Cancer Syndrome; Tumor predisposition. Identifiers: Orphanet 140162, MedGen C0027672, MeSH D009386, MONDO:0015356.

Allele frequency attached by ClinVar (database versions not stated): gnomAD below 0.00001 and 0.00001; gnomAD exomes below 0.00001.
gnomAD v4.1: 9 of 1,613,960 alleles (0.00056%); highest among the groups gnomAD compares: East Asian, 0.0022%; no homozygotes.

Submissions (7):

Labcorp Genetics (formerly Invitae), Labcorp
Classification: Benign for Tuberous sclerosis 1. Last evaluated: 2025-03-27. Review status: criteria provided, single submitter. Criteria: Invitae Variant Classification Sherloc (09022015). Collection method: clinical testing. Allele origin: germline.

Ambry Genetics
Classification: Uncertain significance for Hereditary cancer-predisposing syndrome. Last evaluated: 2025-02-05. Review status: criteria provided, single submitter. Criteria: Ambry Variant Classification Scheme 2023. Collection method: clinical testing. Allele origin: germline.
Comment: The p.P231L variant (also known as c.692C>T), located in coding exon 6 of the TSC1 gene, results from a C to T substitution at nucleotide position 692. The proline at codon 231 is replaced by leucine, an amino acid with similar properties. This amino acid position is highly conserved in available vertebrate species. In addition, this alteration is predicted to be deleterious by in silico analysis. Since supporting evidence is limited at this time, the clinical significance of this alteration remains unclear.

GeneDx
Classification: Uncertain significance. Last evaluated: 2024-05-03. Review status: criteria provided, single submitter. Criteria: GeneDx Variant Classification Process June 2021. Collection method: clinical testing. Allele origin: germline. Affected: yes.
Comment: Identified in individual(s) with autism spectrum disorder (PMID: 22558107); In silico analysis supports that this missense variant has a deleterious effect on protein structure/function; This variant is associated with the following publications: (PMID: 23514105, 22558107)

ARUP Laboratories, Molecular Genetics and Genomics, ARUP Laboratories
Classification: Uncertain significance. Last evaluated: 2022-11-10. Review status: criteria provided, single submitter. Criteria: ARUP Molecular Germline Variant Investigation Process 2021. Collection method: clinical testing. Allele origin: germline.
Comment: The TSC1 c.692C>T; p.Pro231Leu variant (rs1322586198) is not reported in individuals with Tuberous sclerosis-1 but was detected in a cohort affected with autism spectrum disorder (Kelleher 2012). This variant is also reported in ClinVar (Variation ID: 486585) and is only observed on one allele in the Genome Aggregation Database, indicating it is not a common polymorphism. The proline at codon 231 is highly conserved, and computational analyses predict that this variant is deleterious (REVEL: 0.865). Due to limited information, the clinical significance of the p.Pro231Leu variant is uncertain at this time. References: Kelleher RJ 3rd et al. High-throughput sequencing of mGluR signaling pathway genes reveals enrichment of rare variants in autism. PLoS One. 2012;7(4):e35003. PMID: 22558107.

Genome-Nilou Lab
Classification: Uncertain significance for Tuberous sclerosis 1. Last evaluated: 2021-11-07. Review status: criteria provided, single submitter. Criteria: ACMG Guidelines, 2015. Collection method: clinical testing. Allele origin: germline. Affected: no.

Blueprint Genetics
Classification: Uncertain significance. Last evaluated: 2018-12-04. Review status: criteria provided, single submitter. Criteria: ACMG Guidelines, 2015. Collection method: clinical testing. Allele origin: germline.

CeGaT Center for Human Genetics Tuebingen
Classification: Uncertain significance. Last evaluated: 2018-07-01. Review status: criteria provided, single submitter. Criteria: CeGaT Center For Human Genetics Tuebingen Variant Classification Criteria Version 2. Collection method: clinical testing. Allele origin: germline. Affected: yes. Observed: 1 variant allele.